The following is an entry in ClinVar:

NM_000334.4(SCN4A):c.1710C>T (p.Ile570=)

Gene: SCN4A (sodium voltage-gated channel alpha subunit 4; minus strand). Cytogenetic location: 17q23.3.
Variant type: single nucleotide variant.
Coding change: c.1710C>T on transcript NM_000334.4 (MANE Select); coding-DNA position 1710, C replaced by T.
Protein change: p.Ile570=; no amino-acid change (isoleucine 570 retained).
Molecular consequence: synonymous variant.
Genome position (GRCh38, 1-based): chr17:63,961,328, G>A on the plus strand (C>T on the coding strand, the complement: SCN4A is on the minus strand). VCF-style: chr17-63961328-G-A. GRCh37 (hg19) VCF-style: chr17-62038688-G-A.
Identifiers: ClinVar variation 389065 (VCV000389065.34), dbSNP rs760067411, ClinGen allele CA8709757.

ClinVar aggregate classification (germline): Benign/Likely benign. Review status: criteria provided, multiple submitters, no conflicts (2 of 4 stars). 5 submissions from 5 submitters: Benign (1); Likely benign (4). Last evaluated 2026-06-01.

Conditions:
Hypokalemic periodic paralysis, type 1. Also called: Hypokalemic Periodic Paralysis Type 1 (AD); HypoPP. Identifiers: Orphanet 681, MedGen C3714580, MONDO:0042979, OMIM 170400.
Potassium-aggravated myotonia. Also called: SODIUM CHANNEL MUSCLE DISEASE; Myotonia congenita, atypical, acetazolamide-responsive; MYOTONIA CONGENITA, ACETAZOLAMIDE-RESPONSIVE; MYOTONIA CONGENITA, ATYPICAL. Identifiers: Orphanet 612, Orphanet 99734, Orphanet 99735, Orphanet 99736, MedGen C2931826, MONDO:0018959, OMIM 608390.
Paramyotonia congenita of Von Eulenburg. Also called: Eulenburg disease; Myotonia congenita intermittens; Von Eulenburg paramyotonia congenita; Paramyotonia Congenita; PARALYSIS PERIODICA PARAMYOTONICA. Identifiers: Orphanet 684, MedGen C0221055, MONDO:0008195, OMIM 168300. Disease mechanism: loss of function.
Hypokalemic periodic paralysis, type 2 (HOKPP2). Identifiers: Orphanet 681, MedGen C2750061, MONDO:0013234, OMIM 613345.
Congenital myasthenic syndrome 16. Identifiers: Orphanet 590, MedGen C3280112, MONDO:0013620, OMIM 614198.
Hyperkalemic periodic paralysis. Also called: Familial hyperkalemic periodic paralysis; Gamstorp disease. Identifiers: Orphanet 682, MedGen C0238357, MONDO:0008224, OMIM 170500, HP:0007215.

Allele frequency attached by ClinVar (database versions not stated): gnomAD 0.00005; gnomAD exomes 0.00002; ExAC 0.00002; TOPMed 0.00004.
gnomAD v4.1: 65 of 1,613,794 alleles (0.004%); highest among the groups gnomAD compares: Non-Finnish European, 0.0053%; no homozygotes.

Submissions (5):

CeGaT Center for Human Genetics Tuebingen
Classification: Likely benign. Last evaluated: 2026-06-01. Review status: criteria provided, single submitter. Criteria: CeGaT Center For Human Genetics Tuebingen Variant Classification Criteria Version 2. Collection method: clinical testing. Allele origin: germline. Affected: yes. Observed: 2 variant alleles.
Comment: SCN4A: BP4, BP7

Labcorp Genetics (formerly Invitae), Labcorp
Classification: Likely benign for Hyperkalemic periodic paralysis. Last evaluated: 2026-02-01. Review status: criteria provided, single submitter. Criteria: Invitae Variant Classification Sherloc (09022015). Collection method: clinical testing. Allele origin: germline.

Fulgent Genetics
Classification: Likely benign for Paramyotonia congenita of Von Eulenburg; Hypokalemic periodic paralysis, type 1; Hyperkalemic periodic paralysis; Potassium-aggravated myotonia; Hypokalemic periodic paralysis, type 2; Congenital myasthenic syndrome 16. Last evaluated: 2021-12-03. Review status: criteria provided, single submitter. Criteria: ACMG Guidelines, 2015. Collection method: clinical testing. Allele origin: unknown.

Athena Diagnostics
Classification: Benign. Last evaluated: 2019-12-27. Review status: criteria provided, single submitter. Criteria: Athena Diagnostics Criteria. Collection method: clinical testing. Allele origin: unknown.

GeneDx
Classification: Likely benign. Last evaluated: 2016-09-01. Review status: criteria provided, single submitter. Criteria: GeneDx Variant Classification (06012015). Collection method: clinical testing. Allele origin: germline. Affected: yes.
Comment: This variant is considered likely benign or benign based on one or more of the following criteria: it is a conservative change, it occurs at a poorly conserved position in the protein, it is predicted to be benign by multiple in silico algorithms, and/or has population frequency not consistent with disease.